The following is an entry in ClinVar:

NM_005032.7(PLS3):c.1169G>A (p.Trp390Ter)

Gene: PLS3 (plastin 3; plus strand). Cytogenetic location: Xq23.
Variant type: single nucleotide variant.
Coding change: c.1169G>A on transcript NM_005032.7 (MANE Select); coding-DNA position 1169, G replaced by A.
Protein change: p.Trp390Ter; replaces tryptophan 390 with a stop codon.
Molecular consequence: nonsense.
Genome position (GRCh38, 1-based): chrX:115,643,494, G>A. VCF-style: chrX-115643494-G-A. GRCh37 (hg19) VCF-style: chrX-114877806-G-A.
Other names: c.1169G>A, p.Trp390Ter (NM_001136025.5); c.1088G>A, p.Trp363Ter (NM_001172335.3); c.1130G>A, p.Trp377Ter (NM_001282337.2); c.1034G>A, p.Trp345Ter (NM_001282338.2); short protein forms W390*, W345*, W363*, W377*.
Identifiers: ClinVar variation 2119651 (VCV002119651.4), dbSNP rs2521522247, ClinGen allele CA414335336.
Genomic context (GRCh38, chrX:115,643,494, plus strand): 5'-TGGCTAACCTGTTTAATAAATACCCAGCACTAACTAAGCCAGAGAACCAGGATATTGACT[G>A]GACTCTATTAGAAGGTAACTAAAAACCTCAATTTCGAATGTGTGGGACTATAGAGTAGAA-3'

ClinVar aggregate classification (germline): Pathogenic (1 of 4 stars; one submission).

Submission:

Labcorp Genetics (formerly Invitae), Labcorp
Classification: Pathogenic. Last evaluated: 2022-03-29. Review status: criteria provided, single submitter. Criteria: Invitae Variant Classification Sherloc (09022015). Collection method: clinical testing. Allele origin: germline.
Comment: For these reasons, this variant has been classified as Pathogenic. This sequence change creates a premature translational stop signal (p.Trp390*) in the PLS3 gene. It is expected to result in an absent or disrupted protein product. Loss-of-function variants in PLS3 are known to be pathogenic (PMID: 24088043, 30405713, 33166085). This variant is not present in population databases (gnomAD no frequency). This variant has not been reported in the literature in individuals affected with PLS3-related conditions.

Literature cited by the submitters: PubMed 24088043; PubMed 30405713; PubMed 33166085.